The following is an entry in ClinVar:

ClinVar aggregate classification (germline): Likely pathogenic. Review status: criteria provided, multiple submitters, no conflicts (2 of 4 stars). 2 submissions from 2 submitters: Likely pathogenic (2). Last evaluated 2023-03-20.

Conditions:
Alzheimer disease. Also called: Presenile and senile dementia; Alzheimer's disease. Identifiers: Orphanet 1020, MedGen C0002395, MeSH D000544, MONDO:0004975, HP:0002511.
Neuronal ceroid lipofuscinosis 11. Also called: GRN-Related Neuronal Ceroid-Lipofuscinosis. Identifiers: Orphanet 314629, Orphanet 79262, MedGen C3539123, MONDO:0013866, OMIM 614706.
GRN-related frontotemporal lobar degeneration with Tdp43 inclusions (FTD2). Also called: GRN Frontotemporal Dementia; DEMENTIA, HEREDITARY DYSPHASIC DISINHIBITION; FRONTOTEMPORAL DEMENTIA WITH TDP43 INCLUSIONS, GRN-RELATED; FRONTOTEMPORAL LOBAR DEGENERATION WITH UBIQUITIN-POSITIVE INCLUSIONS; FTLD-TDP, GRN-RELATED. Identifiers: Orphanet 100070, Orphanet 282, MedGen C1843792, MONDO:0011842, OMIM 607485. Disease mechanism: loss of function.

Allele frequency attached by ClinVar (database versions not stated): gnomAD exomes below 0.00001.
gnomAD v4.1: 1 of 1,614,152 alleles (0.000062%); highest among the groups gnomAD compares: Non-Finnish European, 0.000085%; no homozygotes.

Submissions (2):

Labcorp Genetics (formerly Invitae), Labcorp
Classification: Likely pathogenic for Neuronal ceroid lipofuscinosis 11; GRN-related frontotemporal lobar degeneration with Tdp43 inclusions. Last evaluated: 2023-03-20. Review status: criteria provided, single submitter. Criteria: Invitae Variant Classification Sherloc (09022015). Collection method: clinical testing. Allele origin: germline.
Comment: This sequence change affects a donor splice site in intron 3 of the GRN gene. It is expected to disrupt RNA splicing. Variants that disrupt the donor or acceptor splice site typically lead to a loss of protein function (PMID: 16199547), and loss-of-function variants in GRN are known to be pathogenic (PMID: 16862116, 16950801, 22608501). This variant is not present in population databases (gnomAD no frequency). Disruption of this splice site has been observed in individual(s) with clinical features of GRN-related conditions (PMID: 30279455, 31031559). ClinVar contains an entry for this variant (Variation ID: 599611). Algorithms developed to predict the effect of sequence changes on RNA splicing suggest that this variant may disrupt the consensus splice site. In summary, the currently available evidence indicates that the variant is pathogenic, but additional data are needed to prove that conclusively. Therefore, this variant has been classified as Likely Pathogenic.

Human Genetics Group at Institute of Prion Diseases London, University College London
Classification: Likely pathogenic for Alzheimer disease type 1. Last evaluated: 2017-02-01. Review status: criteria provided, single submitter. Criteria: Koriath et al. 2018. Collection method: research. Allele origin: unknown. Affected: yes. Observed: 1 variant allele.
Comment: mutation in a splice site, after input of exon , Human Splice Finder predict broken WT site and Alteration of the WT donor site,

Confirmed by Sanger sequencing

Literature cited by the submitters: PubMed 16199547 (cited by Labcorp Genetics (formerly Invitae), Labcorp); PubMed 16862116 (cited by Labcorp Genetics (formerly Invitae), Labcorp); PubMed 16950801 (cited by Labcorp Genetics (formerly Invitae), Labcorp); PubMed 22608501 (cited by Labcorp Genetics (formerly Invitae), Labcorp); PubMed 30279455 (cited by Labcorp Genetics (formerly Invitae), Labcorp); PubMed 31031559 (cited by Labcorp Genetics (formerly Invitae), Labcorp).

NM_002087.4(GRN):c.264+1G>A

Gene: GRN (granulin precursor; plus strand). Cytogenetic location: 17q21.31.
Variant type: single nucleotide variant.
Coding change: c.264+1G>A on transcript NM_002087.4 (MANE Select); the canonical splice donor site of the intron after coding-DNA position 264, G replaced by A.
Molecular consequence: splice donor variant.
Genome position (GRCh38, 1-based): chr17:44,349,552, G>A. VCF-style: chr17-44349552-G-A. GRCh37 (hg19) VCF-style: chr17-42426920-G-A.
Identifiers: ClinVar variation 599611 (VCV000599611.7), dbSNP rs1567885728, ClinGen allele CA399760064.